The following is an entry in ClinVar:

ClinVar aggregate classification (germline): Conflicting classifications of pathogenicity. Review status: criteria provided, conflicting classifications (1 of 4 stars). 2 submissions from 2 submitters: Uncertain significance (1); Likely benign (1). Last evaluated 2025-08-16.

Conditions:
Adams-Oliver syndrome 5 (AOS5). Identifiers: Orphanet 974, MedGen C4014970, MONDO:0014459, OMIM 616028.
Familial thoracic aortic aneurysm and aortic dissection (TAAD). Also called: Thoracic aortic aneurysms and dissections. Identifiers: Orphanet 91387, MedGen C4707243, MONDO:0019625.

Allele frequency attached by ClinVar (database versions not stated): gnomAD 0.00001 and 0.00002; gnomAD exomes 0.00001; ExAC 0.00002; TOPMed 0.00003; 1000 Genomes Project 0.00020; 1000 Genomes Project 30x 0.00031.
gnomAD v4.1: 13 of 1,612,732 alleles (0.00081%); highest among the groups gnomAD compares: African/African-American, 0.004%; no homozygotes.

Submissions (2):

Labcorp Genetics (formerly Invitae), Labcorp
Classification: Likely benign for Adams-Oliver syndrome 5. Last evaluated: 2025-08-16. Review status: criteria provided, single submitter. Criteria: Invitae Variant Classification Sherloc (09022015). Collection method: clinical testing. Allele origin: germline.

Ambry Genetics
Classification: Uncertain significance for Familial thoracic aortic aneurysm and aortic dissection. Last evaluated: 2023-11-12. Review status: criteria provided, single submitter. Criteria: Ambry Variant Classification Scheme 2023. Collection method: clinical testing. Allele origin: germline.
Comment: The p.G1157R variant (also known as c.3469G>A), located in coding exon 21 of the NOTCH1 gene, results from a G to A substitution at nucleotide position 3469. The glycine at codon 1157 is replaced by arginine, an amino acid with dissimilar properties. This amino acid position is conserved. In addition, this alteration is predicted to be deleterious by in silico analysis. Since supporting evidence is limited at this time, the clinical significance of this alteration remains unclear.

NM_017617.5(NOTCH1):c.3469G>A (p.Gly1157Arg)

Gene: NOTCH1 (notch receptor 1; minus strand). Cytogenetic location: 9q34.3.
Variant type: single nucleotide variant.
Coding change: c.3469G>A on transcript NM_017617.5 (MANE Select); coding-DNA position 3469, G replaced by A.
Protein change: p.Gly1157Arg; replaces glycine 1157 with arginine.
Molecular consequence: missense variant.
Genome position (GRCh38, 1-based): chr9:136,507,996, C>T on the plus strand (G>A on the coding strand, the complement: NOTCH1 is on the minus strand). VCF-style: chr9-136507996-C-T. GRCh37 (hg19) VCF-style: chr9-139402448-C-T.
Other names: c.3469G>A, p.Gly1157Arg (LRG_1122t1); short protein forms G1157R.
Identifiers: ClinVar variation 409058 (VCV000409058.10), dbSNP rs549630973, ClinGen allele CA5340922.